The following is an entry in ClinVar:

NM_003000.3(SDHB):c.424-14_424-9dup

Gene: SDHB (succinate dehydrogenase complex iron sulfur subunit B; minus strand). Cytogenetic location: 1p36.13.
Variant type: Duplication.
Coding change: c.424-14_424-9dup on transcript NM_003000.3 (MANE Select); 14 bases into the intron before coding-DNA position 424 through 9 bases into the intron before coding-DNA position 424, 6 bases duplicated (CCTCTT; older notation c.424-14_424-9dupCCTCTT).
Molecular consequence: intron variant.
Genome position (GRCh38, 1-based): chr1:17,027,874-17,027,879, AAGAGG duplicated on the plus strand (CCTCTT on the coding strand, the reverse complement: SDHB is on the minus strand); duplicating any 6 consecutive bases within chr1:17,027,874-17,027,883 gives the same sequence; the c. name uses the placement nearest the transcript's 3' end. VCF-style (leftmost placement, unchanged base first): chr1-17027873-T-TAAGAGG. GRCh37 (hg19) VCF-style: chr1-17354368-T-TAAGAGG.
Other names: c.424-14_424-9dupCCTCTT (NM_003000.2).
Identifiers: ClinVar variation 548757 (VCV000548757.11), dbSNP rs1064794554, ClinGen allele CA16617022.

ClinVar aggregate classification (germline): Likely benign. Review status: criteria provided, multiple submitters, no conflicts (2 of 4 stars). 4 submissions from 4 submitters: Likely benign (3). 1 of the submissions does not count toward it. Last evaluated 2025-03-12.

Conditions:
Pheochromocytoma/paraganglioma syndrome 4. Also called: SDHB-Related Hereditary Paraganglioma-Pheochromocytoma Syndrome; PARAGANGLIOMA, FAMILIAL MALIGNANT; PARAGANGLIOMAS, HEREDITARY EXTRAADRENAL; PHEOCHROMOCYTOMA, FAMILIAL EXTRAADRENAL; Paragangliomas 4; CAROTID BODY TUMORS AND MULTIPLE EXTRAADRENAL PHEOCHROMOCYTOMAS. Identifiers: Orphanet 29072, MedGen C1861848, MONDO:0007273, OMIM 115310.
Pheochromocytoma. Also called: MAX-Related Hereditary Paraganglioma-Pheochromocytoma Syndrome. Identifiers: Orphanet 29072, MedGen C0031511, MONDO:0008233, OMIM 171300, HP:0002666.
Gastrointestinal stromal tumor. Also called: Gastrointestinal stromal tumor, somatic; Gastrointestinal stroma tumor. Identifiers: Orphanet 44890, MedGen C0238198, MeSH D046152, MONDO:0011719, OMIM 606764, HP:0100723.

Submissions (4):

Myriad Genetics, Inc.
Classification: Likely benign for Pheochromocytoma/paraganglioma syndrome 4. Last evaluated: 2025-03-12. Review status: criteria provided, single submitter. Criteria: Myriad Autosomal Dominant, Autosomal Recessive and X-Linked Classification Criteria (2023). Collection method: clinical testing. Allele origin: unknown.
Comment: This variant is considered likely benign. This variant is intronic and is not expected to impact mRNA splicing.

Labcorp Genetics (formerly Invitae), Labcorp
Classification: Likely benign for Gastrointestinal stromal tumor; Pheochromocytoma/paraganglioma syndrome 4; Pheochromocytoma. Last evaluated: 2023-11-28. Review status: criteria provided, single submitter. Criteria: Invitae Variant Classification Sherloc (09022015). Collection method: clinical testing. Allele origin: germline.

GeneDx
Classification: Likely benign. Last evaluated: 2016-02-24. Review status: criteria provided, single submitter. Criteria: GeneDx Variant Classification (06012015). Collection method: clinical testing. Allele origin: germline. Affected: yes.
Comment: This variant is considered likely benign or benign based on one or more of the following criteria: it is a conservative change, it occurs at a poorly conserved position in the protein, it is predicted to be benign by multiple in silico algorithms, and/or has population frequency not consistent with disease.

Counsyl
Classification: Likely benign for Pheochromocytoma/paraganglioma syndrome 4. Last evaluated: 2017-06-28. Review status: no assertion criteria provided. Collection method: clinical testing. Allele origin: unknown. Not counted in ClinVar's aggregate classification.